The following is an entry in ClinVar:

NM_006206.6(PDGFRA):c.639G>T (p.Glu213Asp)

Gene: PDGFRA (platelet derived growth factor receptor alpha; plus strand). Cytogenetic location: 4q12.
Variant type: single nucleotide variant.
Coding change: c.639G>T on transcript NM_006206.6 (MANE Select); coding-DNA position 639, G replaced by T.
Protein change: p.Glu213Asp; replaces glutamic acid 213 with aspartic acid.
Molecular consequence: missense variant.
Genome position (GRCh38, 1-based): chr4:54,264,929, G>T. VCF-style: chr4-54264929-G-T. GRCh37 (hg19) VCF-style: chr4-55131096-G-T.
Other names: c.639G>T, p.Glu213Asp (NM_001347827.2, NM_001347829.2); c.714G>T, p.Glu238Asp (NM_001347828.2); c.678G>T, p.Glu226Asp (NM_001347830.2); short protein forms E226D, E213D, E238D.
Identifiers: ClinVar variation 1753283 (VCV001753283.7), dbSNP rs766964547, ClinGen allele CA356890694.

ClinVar aggregate classification (germline): Uncertain significance. Review status: criteria provided, multiple submitters, no conflicts (2 of 4 stars). 2 submissions from 2 submitters: Uncertain significance (2). Last evaluated 2024-11-21.

Conditions:
Gastrointestinal stromal tumor. Also called: Gastrointestinal stromal tumor, somatic; Gastrointestinal stroma tumor. Identifiers: Orphanet 44890, MedGen C0238198, MeSH D046152, MONDO:0011719, OMIM 606764, HP:0100723.
Hereditary cancer-predisposing syndrome. Also called: Neoplastic Syndromes, Hereditary; Tumor predisposition; Hereditary Cancer Syndrome; Hereditary neoplastic syndrome. Identifiers: Orphanet 140162, MedGen C0027672, MeSH D009386, MONDO:0015356.

Submissions (2):

Labcorp Genetics (formerly Invitae), Labcorp
Classification: Uncertain significance for Gastrointestinal stromal tumor. Last evaluated: 2024-11-21. Review status: criteria provided, single submitter. Criteria: Invitae Variant Classification Sherloc (09022015). Collection method: clinical testing. Allele origin: germline.
Comment: This sequence change replaces glutamic acid, which is acidic and polar, with aspartic acid, which is acidic and polar, at codon 213 of the PDGFRA protein (p.Glu213Asp). This variant is not present in population databases (gnomAD no frequency). This variant has not been reported in the literature in individuals affected with PDGFRA-related conditions. ClinVar contains an entry for this variant (Variation ID: 1753283). An algorithm developed to predict the effect of missense changes on protein structure and function outputs the following: PolyPhen-2: "Benign". The aspartic acid amino acid residue is found in multiple mammalian species, which suggests that this missense change does not adversely affect protein function. In summary, the available evidence is currently insufficient to determine the role of this variant in disease. Therefore, it has been classified as a Variant of Uncertain Significance.

Ambry Genetics
Classification: Uncertain significance for Hereditary cancer-predisposing syndrome. Last evaluated: 2022-08-22. Review status: criteria provided, single submitter. Criteria: Ambry Variant Classification Scheme 2023. Collection method: clinical testing. Allele origin: germline.
Comment: The p.E213D variant (also known as c.639G>T), located in coding exon 4 of the PDGFRA gene, results from a G to T substitution at nucleotide position 639. The glutamic acid at codon 213 is replaced by aspartic acid, an amino acid with highly similar properties. This amino acid position is conserved. In addition, this alteration is predicted to be tolerated by in silico analysis. Since supporting evidence is limited at this time, the clinical significance of this alteration remains unclear.